The following is an entry in ClinVar:

NM_017780.4(CHD7):c.5745G>A (p.Arg1915=)

Gene: CHD7 (chromodomain helicase DNA binding protein 7; plus strand). Cytogenetic location: 8q12.2.
Variant type: single nucleotide variant.
Coding change: c.5745G>A on transcript NM_017780.4 (MANE Select); coding-DNA position 5745, G replaced by A.
Protein change: p.Arg1915=; no amino-acid change (arginine 1915 retained).
Molecular consequence: synonymous variant. On other transcripts: intron variant (1).
Genome position (GRCh38, 1-based): chr8:60,852,098, G>A. VCF-style: chr8-60852098-G-A. GRCh37 (hg19) VCF-style: chr8-61764657-G-A.
Other names: c.1717-10131G>A (NM_001316690.1).
Identifiers: ClinVar variation 459556 (VCV000459556.25), dbSNP rs376993840, ClinGen allele CA4760451.
Genomic context (GRCh38, chr8:60,852,098, plus strand): 5'-TGCTGAGTTAGGCCAACTTTACTGGCCTAACACTTCAACCCTGACTACACGTCTGCGCCG[G>A]CTCATTACTGCCTATCAGCGCAGCTATAAAAGGCAACAGATGAGGCAAGAGGCCCTAATG-3'
Protein context (NP_060250.2, residues 1905-1925): NTSTLTTRLR[Arg1915=]LITAYQRSYK

ClinVar aggregate classification (germline): Benign/Likely benign. Review status: criteria provided, multiple submitters, no conflicts (2 of 4 stars). 7 submissions from 7 submitters: Benign (2); Likely benign (4). 1 of the submissions does not count toward it. Last evaluated 2026-01-05.

Conditions:
CHD7-related disorder. Also called: CHD7-related condition.
Inborn genetic diseases. Identifiers: MedGen C0950123, MeSH D030342.
CHARGE syndrome (CHARGE). Also called: Hittner Hirsch Kreh syndrome; CHARGE ASSOCIATION--COLOBOMA, HEART ANOMALY, CHOANAL ATRESIA, RETARDATION, GENITAL AND EAR ANOMALIES; Coloboma, heart anomaly, choanal atresia, retardation, genital and ear anomalies; CHARGE association; Hall-Hittner syndrome. Identifiers: Orphanet 138, MedGen C0265354, MONDO:0008965.
Hypogonadotropic hypogonadism 5 with or without anosmia (KAL5). Also called: CHD7-Related GnRH Deficiency (Kallmann Syndrome 5); HYPOGONADOTROPIC HYPOGONADISM 5 WITH ANOSMIA; HYPOGONADOTROPHIC HYPOGONADISM 5 WITHOUT ANOSMIA. Identifiers: Orphanet 478, MedGen C3552553, MONDO:0012880, OMIM 612370. Disease mechanism: loss of function.

Allele frequency attached by ClinVar (database versions not stated): gnomAD 0.00003 and 0.00005; gnomAD exomes 0.00006 and 0.00020; ESP Exome Variant Server 0.00008; TOPMed 0.00013; ExAC 0.00020.
gnomAD v4.1: 99 of 1,613,876 alleles (0.0061%); highest among the groups gnomAD compares: Admixed American, 0.063%; no homozygotes.

Submissions (7):

Labcorp Genetics (formerly Invitae), Labcorp
Classification: Benign for CHARGE syndrome. Last evaluated: 2026-01-05. Review status: criteria provided, single submitter. Criteria: Invitae Variant Classification Sherloc (09022015). Collection method: clinical testing. Allele origin: germline.

CeGaT Center for Human Genetics Tuebingen
Classification: Likely benign. Last evaluated: 2025-03-01. Review status: criteria provided, single submitter. Criteria: CeGaT Center For Human Genetics Tuebingen Variant Classification Criteria Version 2. Collection method: clinical testing. Allele origin: germline. Affected: yes. Observed: 1 variant allele.
Comment: CHD7: BP4, BP7

Blueprint Genetics
Classification: Likely benign. Last evaluated: 2024-11-13. Review status: criteria provided, single submitter. Criteria: ACMG Guidelines, 2015. Collection method: clinical testing. Allele origin: germline.

Fulgent Genetics
Classification: Likely benign for CHD7-related CHARGE syndrome; Hypogonadotropic hypogonadism 5 with or without anosmia. Last evaluated: 2021-10-26. Review status: criteria provided, single submitter. Criteria: ACMG Guidelines, 2015. Collection method: clinical testing. Allele origin: unknown.

GeneDx
Classification: Benign. Last evaluated: 2020-10-06. Review status: criteria provided, single submitter. Criteria: GeneDx Variant Classification Process June 2021. Collection method: clinical testing. Allele origin: germline. Affected: yes.

Ambry Genetics
Classification: Likely benign for Inborn genetic diseases. Last evaluated: 2017-07-19. Review status: criteria provided, single submitter. Criteria: Ambry Variant Classification Scheme 2023. Collection method: clinical testing. Allele origin: germline.

PreventionGenetics, part of Exact Sciences
Classification: Likely benign for CHD7-related condition. Last evaluated: 2022-07-25. Review status: no assertion criteria provided. Collection method: clinical testing. Allele origin: germline. Not counted in ClinVar's aggregate classification.
Comment: This variant is classified as likely benign based on ACMG/AMP sequence variant interpretation guidelines (Richards et al. 2015 PMID: 25741868, with internal and published modifications).